The following is an entry in ClinVar:

ClinVar aggregate classification (germline): Uncertain significance. Review status: criteria provided, multiple submitters, no conflicts (2 of 4 stars). 2 submissions from 2 submitters: Uncertain significance (2). Last evaluated 2024-12-17.

Conditions:
Inborn genetic diseases. Identifiers: MedGen C0950123, MeSH D030342.

Allele frequency attached by ClinVar (database versions not stated): gnomAD exomes below 0.00001.
gnomAD v4.1: 1 of 1,612,816 alleles (0.000062%); highest among the groups gnomAD compares: Non-Finnish European, 0.000085%; no homozygotes.

Submissions (2):

Ambry Genetics
Classification: Uncertain significance for Inborn genetic diseases. Last evaluated: 2024-12-17. Review status: criteria provided, single submitter. Criteria: Ambry Variant Classification Scheme 2023. Collection method: clinical testing. Allele origin: germline.

GeneDx
Classification: Uncertain significance. Last evaluated: 2022-04-11. Review status: criteria provided, single submitter. Criteria: GeneDx Variant Classification Process June 2021. Collection method: clinical testing. Allele origin: germline. Affected: yes.
Comment: Not observed at significant frequency in large population cohorts (gnomAD); In silico analysis supports that this missense variant has a deleterious effect on protein structure/function; Has not been previously published as pathogenic or benign to our knowledge

NM_031418.4(ANO3):c.1067A>G (p.His356Arg)

Gene: ANO3 (anoctamin 3; plus strand). Cytogenetic location: 11p14.2.
Variant type: single nucleotide variant.
Coding change: c.1067A>G on transcript NM_031418.4 (MANE Select); coding-DNA position 1067, A replaced by G.
Protein change: p.His356Arg; replaces histidine 356 with arginine.
Molecular consequence: missense variant.
Genome position (GRCh38, 1-based): chr11:26,541,981, A>G. VCF-style: chr11-26541981-A-G. GRCh37 (hg19) VCF-style: chr11-26563528-A-G.
Other names: c.1250A>G, p.His417Arg (NM_001313726.2); c.629A>G, p.His210Arg (NM_001313727.2); short protein forms H210R, H356R, H417R.
Identifiers: ClinVar variation 1712095 (VCV001712095.3), dbSNP rs1254174023, ClinGen allele CA379931861.